The following is an entry in ClinVar:

ClinVar aggregate classification (germline): Conflicting classifications of pathogenicity. Review status: criteria provided, conflicting classifications (1 of 4 stars). 13 submissions from 13 submitters: Uncertain significance (10); Likely benign (1). 2 of the submissions do not count toward it. Last evaluated 2026-04-28.

Conditions:
Familial ovarian cancer. Identifiers: MedGen C5679802, MONDO:0016248.
Hereditary cancer-predisposing syndrome. Also called: Tumor predisposition; Neoplastic Syndromes, Hereditary; Hereditary Cancer Syndrome; Hereditary neoplastic syndrome. Identifiers: Orphanet 140162, MedGen C0027672, MeSH D009386, MONDO:0015356.
Ovarian cancer. Also called: OVARIAN CANCER, SOMATIC. Identifiers: Orphanet 213500, MedGen C1140680, MONDO:0008170, OMIM 167000.
Fanconi anemia complementation group J. Also called: BRIP1-Related Fanconi Anemia. Identifiers: Orphanet 84, MedGen C1836860, MONDO:0012187, OMIM 609054.
Familial cancer of breast. Also called: hereditary breast carcinoma; Hereditary breast cancer; BREAST CANCER, FAMILIAL. Identifiers: Orphanet 227535, MedGen C0346153, MONDO:0016419, OMIM 114480. Disease mechanism: loss of function.

Allele frequency attached by ClinVar (database versions not stated): gnomAD 0.00001; TOPMed 0.00001; gnomAD exomes 0.00002.
gnomAD v4.1: 55 of 1,612,536 alleles (0.0034%); highest among the groups gnomAD compares: Non-Finnish European, 0.0043%; no homozygotes.

Submissions 1 to 11 of 13:

Women's Health and Genetics/Laboratory Corporation of America, LabCorp
Classification: Uncertain significance. Last evaluated: 2026-04-28. Review status: criteria provided, single submitter. Criteria: LabCorp Variant Classification Summary - May 2015. Collection method: clinical testing. Allele origin: germline.
Comment: Variant summary: BRIP1 c.3464G>A (p.Gly1155Glu) results in a non-conservative amino acid change in the encoded protein sequence. Algorithms developed to predict the effect of missense changes on protein structure and function are either unavailable or do not agree on the potential impact of this missense change. The variant allele was found at a frequency of 1.6e-05 in 250092 control chromosomes. The available data on variant occurrences in the general population are insufficient to allow any conclusion about variant significance. c.3464G>A has been observed in individuals affected with Breast Cancer (e.g. Lewis_2005, Seal_2006, Tung_2016). These reports do not provide unequivocal conclusions about association of the variant with Breast Cancer or other BRIP1-related conditions. To our knowledge, no experimental evidence demonstrating an impact on protein function has been reported. The following publications have been ascertained in the context of this evaluation (PMID: 16280053, 17033622, 26976419). ClinVar contains an entry for this variant (Variation ID: 128189). Based on the evidence outlined above, the variant was classified as uncertain significance.

Labcorp Genetics (formerly Invitae), Labcorp
Classification: Uncertain significance for Familial cancer of breast; Fanconi anemia complementation group J. Last evaluated: 2026-02-02. Review status: criteria provided, single submitter. Criteria: Invitae Variant Classification Sherloc (09022015). Collection method: clinical testing. Allele origin: germline.
Comment: This sequence change replaces glycine, which is neutral and non-polar, with glutamic acid, which is acidic and polar, at codon 1155 of the BRIP1 protein (p.Gly1155Glu). This variant is present in population databases (rs45603843, gnomAD 0.003%). This missense change has been observed in individual(s) with breast cancer (PMID: 16280053, 17033622, 26976419, 27997549). ClinVar contains an entry for this variant (Variation ID: 128189). Invitae Evidence Modeling of protein sequence and biophysical properties (such as structural, functional, and spatial information, amino acid conservation, physicochemical variation, residue mobility, and thermodynamic stability) indicates that this missense variant is not expected to disrupt BRIP1 protein function with a negative predictive value of 95%. In summary, the available evidence is currently insufficient to determine the role of this variant in disease. Therefore, it has been classified as a Variant of Uncertain Significance.

Quest Diagnostics Nichols Institute San Juan Capistrano
Classification: Uncertain significance. Last evaluated: 2024-12-04. Review status: criteria provided, single submitter. Criteria: Quest Diagnostics criteria. Collection method: clinical testing. Allele origin: unknown.
Comment: The BRIP1 c.3464G>A (p.Gly1155Glu) variant has been reported in the published literature in individuals affected with breast cancer (PMIDs: 26976419 (2016), 26921362 (2016), 17033622 (2006), 16280053 (2005)). Additionally, this variant has been observed in an individual with breast cancer and in a reportedly healthy individual in a case-control study (PMID: 33471991 (2021), see also LOVD). The frequency of this variant in the general population (Genome Aggregation Database) is uninformative in the assessment of its pathogenicity. Analysis of this variant using bioinformatics tools for the prediction of the effect of amino acid changes on protein structure and function yielded predictions that this variant is benign. Based on the available information, we are unable to determine the clinical significance of this variant.

Ambry Genetics
Classification: Likely benign for Hereditary cancer-predisposing syndrome. Last evaluated: 2024-10-10. Review status: criteria provided, single submitter. Criteria: Ambry Variant Classification Scheme 2023. Collection method: clinical testing. Allele origin: germline.

Molecular Pathology, Peter Maccallum Cancer Centre
Classification: Uncertain significance for Familial ovarian cancer. Last evaluated: 2024-09-18. Review status: criteria provided, single submitter. Criteria: ACMG Guidelines, 2015. Collection method: clinical testing. Allele origin: germline. Inheritance: Autosomal dominant inheritance.

Color Diagnostics, LLC DBA Color Health
Classification: Uncertain significance for Hereditary cancer-predisposing syndrome. Last evaluated: 2024-04-30. Review status: criteria provided, single submitter. Criteria: ACMG Guidelines, 2015. Collection method: clinical testing. Allele origin: germline.
Comment: This missense variant replaces glycine with glutamic acid at codon 1155 of the BRIP1 protein. Computational prediction tool suggests that this variant may not impact protein structure and function. To our knowledge, functional studies have not been reported for this variant. This variant has been reported in individuals affected with breast cancer (PMID: 16280053, 17033622, 26921362, 26976419). In a large breast cancer case-control study, this variant was observed in 1/60466 cases and 1/53461 unaffected controls (OR=0.884, 95%CI 0.055 to 14.136) (PMID: 33471991). This variant has been identified in 4/250092 chromosomes in the general population by the Genome Aggregation Database (gnomAD). The available evidence is insufficient to determine the role of this variant in disease conclusively. Therefore, this variant is classified as a Variant of Uncertain Significance.

Myriad Genetics, Inc.
Classification: Uncertain significance for Familial cancer of breast. Last evaluated: 2023-03-02. Review status: criteria provided, single submitter. Criteria: Myriad Autosomal Dominant, Autosomal Recessive and X-Linked Classification Criteria (2023). Collection method: clinical testing. Allele origin: unknown.
Comment: This variant is classified as a variant of uncertain significance as there is insufficient evidence to determine its impact on protein function and/or cancer risk.

GeneDx
Classification: Uncertain significance. Last evaluated: 2022-06-15. Review status: criteria provided, single submitter. Criteria: GeneDx Variant Classification Process June 2021. Collection method: clinical testing. Allele origin: germline. Affected: yes.
Comment: Not observed at significant frequency in large population cohorts (gnomAD); In silico analysis supports that this missense variant does not alter protein structure/function; Observed in individuals with breast or ovarian cancer in the published literature (Lewis 2005, Seal 2006, Easton 2016, Maxwell 2016, Tung 2016); This variant is associated with the following publications: (PMID: 16280053, 26976419, 17033622, 26921362, 27997549, 27153395)

Fulgent Genetics
Classification: Uncertain significance for Familial cancer of breast; Fanconi anemia complementation group J. Last evaluated: 2021-07-27. Review status: criteria provided, single submitter. Criteria: ACMG Guidelines, 2015. Collection method: clinical testing. Allele origin: unknown.

Sema4
Classification: Uncertain significance for Hereditary cancer-predisposing syndrome. Last evaluated: 2021-07-09. Review status: criteria provided, single submitter. Criteria: Sema4 Curation Guidelines. Collection method: curation. Allele origin: germline.
Comment: The BRIP1 c.3464G>A (p.G1155E) variant has been reported in multiple individuals with breast and/or ovarian cancer, and has also been reported in at least one healthy control (PMID: 33471991, 16280053, 17033622, 26921362, 26976419, 27153395). In one familial breast cancer family with at least five affected individuals, the variant did not segregate with disease (PMID: 16280053). It was observed in 4/113496 chromosomes of the Non-Finnish European subpopulation in the large and broad cohorts of the Genome Aggregation Database (PMID: 32461654). The variant has been reported in ClinVar (Variation ID 128189). In silico tools suggest the impact of the variant on protein function is benign, though these predictions have not been confirmed by functional studies. The evidence is insufficient to meet ACMG/AMP criteria for classifying the variant as benign or pathogenic. Thus, the clinical significance of this variant is currently uncertain.

Department of Pathology and Laboratory Medicine, Sinai Health System
Classification: Uncertain significance for Familial cancer of breast. Last evaluated: 2020-07-06. Review status: criteria provided, single submitter. Criteria: ACMG Guidelines, 2015. Collection method: clinical testing. Allele origin: germline. Affected: yes.

NM_032043.3(BRIP1):c.3464G>A (p.Gly1155Glu)

Gene: BRIP1 (BRCA1 interacting DNA helicase 1; minus strand). Cytogenetic location: 17q23.2.
Variant type: single nucleotide variant.
Coding change: c.3464G>A on transcript NM_032043.3 (MANE Select); coding-DNA position 3464, G replaced by A.
Protein change: p.Gly1155Glu; replaces glycine 1155 with glutamic acid.
Molecular consequence: missense variant.
Genome position (GRCh38, 1-based): chr17:61,683,582, C>T on the plus strand (G>A on the coding strand, the complement: BRIP1 is on the minus strand). VCF-style: chr17-61683582-C-T. GRCh37 (hg19) VCF-style: chr17-59760943-C-T.
Other names: p.G1155E:GGA>GAA; short protein forms G1155E.
Identifiers: ClinVar variation 128189 (VCV000128189.35), dbSNP rs45603843, ClinGen allele CA288597.
Genomic context (GRCh38, chr17:61,683,582, plus strand): 5'-GTTCTAATTTCAAAAAGGTCTTTAGCTAAAATGCAATCTGAATTGTTAGCCAATCTATTT[C>T]CTCTATCAGTTTCAGCTAGGTCATTTTTTTCTTCATCTGTATCTTCAGGATCATAAAGTT-3'
Protein context (NP_114432.2, residues 1145-1165): EKNDLAETDR[Gly1155Glu]NRLANNSDCI